The following is an entry in ClinVar:

ClinVar aggregate classification (germline): Pathogenic. Review status: criteria provided, multiple submitters, no conflicts (2 of 4 stars). 4 submissions from 4 submitters: Pathogenic (4). Last evaluated 2024-09-16.

Conditions:
FBXO11-related disorders.
Intellectual developmental disorder with dysmorphic facies and behavioral abnormalities. Identifiers: MedGen C4748135, MONDO:0060760, OMIM 618089.

Submissions (4):

GeneDx
Classification: Pathogenic. Last evaluated: 2024-09-16. Review status: criteria provided, single submitter. Criteria: GeneDx Variant Classification Process June 2021. Collection method: clinical testing. Allele origin: germline. Affected: yes.
Comment: Frameshift variant predicted to result in abnormal protein length as the last 64 amino acids are replaced with 5 different amino acids, and other similar variants have been reported in HGMD; Not observed at significant frequency in large population cohorts (gnomAD); This variant is associated with the following publications: (PMID: 30679813, 33057194, 35982159)

Blueprint Genetics
Classification: Pathogenic for FBXO11-related disorders. Last evaluated: 2024-09-03. Review status: criteria provided, single submitter. Criteria: ACMG Guidelines, 2015. Collection method: clinical testing. Allele origin: de novo. Affected: yes. Observed: 1 variant allele.

Labcorp Genetics (formerly Invitae), Labcorp
Classification: Pathogenic. Last evaluated: 2023-08-11. Review status: criteria provided, single submitter. Criteria: Invitae Variant Classification Sherloc (09022015). Collection method: clinical testing. Allele origin: germline.
Comment: For these reasons, this variant has been classified as Pathogenic. ClinVar contains an entry for this variant (Variation ID: 1329960). This premature translational stop signal has been observed in individual(s) with FBXO11-related conditions (PMID: 30679813). In at least one individual the variant was observed to be de novo. This variant is not present in population databases (gnomAD no frequency). This sequence change creates a premature translational stop signal (p.Ile864Metfs*6) in the FBXO11 gene. It is expected to result in an absent or disrupted protein product. Loss-of-function variants in FBXO11 are known to be pathogenic (PMID: 30057029, 30679813).

Institute of Human Genetics, University of Leipzig Medical Center
Classification: Pathogenic for Intellectual developmental disorder with dysmorphic facies and behavioral abnormalities. Last evaluated: 2021-12-21. Review status: criteria provided, single submitter. Criteria: ACMG Guidelines, 2015. Collection method: research. Allele origin: de novo. Affected: yes.

Literature cited by the submitters: PubMed 30679813 (cited by Labcorp Genetics (formerly Invitae), Labcorp and Institute of Human Genetics, University of Leipzig Medical Center); PubMed 30057029 (cited by Labcorp Genetics (formerly Invitae), Labcorp).

NM_001190274.2(FBXO11):c.2592_2593del (p.Ile864fs)

Genes: FBXO11 (F-box protein 11; minus strand), MSH6 (mutS homolog 6; plus strand). Cytogenetic location: 2p16.3.
Variant type: Microsatellite.
Coding change: c.2592_2593del on transcript NM_001190274.2 (MANE Select); coding-DNA positions 2592 to 2593, 2 bases deleted (AT; older notation c.2592_2593delAT).
Protein change: p.Ile864fs; shifts the reading frame from isoleucine 864.
Molecular consequence: frameshift variant.
Genome position (GRCh38, 1-based): chr2:47,808,390-47,808,391, AT deleted on the plus strand (AT on the coding strand, the reverse complement: FBXO11 is on the minus strand); deleting any 2 consecutive bases within chr2:47,808,390-47,808,393 gives the same sequence; the c. name uses the placement nearest the transcript's 3' end. VCF-style (leftmost placement, unchanged base first): chr2-47808389-CAT-C. GRCh37 (hg19) VCF-style: chr2-48035528-CAT-C.
Other names: c.2592_2593del (NM_001190274.1); c.2340_2341del, p.Ile780fs (NM_001374325.1, NM_025133.4); short protein forms I780fs, I864fs.
Identifiers: ClinVar variation 1329960 (VCV001329960.9), dbSNP rs2104613193, ClinGen allele CA2580611356.